The following is an entry in ClinVar:

ClinVar aggregate classification (germline): Uncertain significance (1 of 4 stars; one submission).

gnomAD v4.1: 15 of 1,210,436 alleles (0.0012%); highest among the groups gnomAD compares: Non-Finnish European, 0.0017%; no homozygotes.

Submission:

Labcorp Genetics (formerly Invitae), Labcorp
Classification: Uncertain significance. Last evaluated: 2025-05-05. Review status: criteria provided, single submitter. Criteria: Invitae Variant Classification Sherloc (09022015). Collection method: clinical testing. Allele origin: germline.
Comment: This sequence change falls in intron 6 of the CFP gene. It does not directly change the encoded amino acid sequence of the CFP protein. It affects a nucleotide within the consensus splice site. This variant is present in population databases (no rsID available, gnomAD 0.001%). This variant has not been reported in the literature in individuals affected with CFP-related conditions. ClinVar contains an entry for this variant (Variation ID: 3711620). Variants that disrupt the consensus splice site are a relatively common cause of aberrant splicing (PMID: 17576681, 9536098). Algorithms developed to predict the effect of sequence changes on RNA splicing suggest that this variant may disrupt the consensus splice site. In summary, the available evidence is currently insufficient to determine the role of this variant in disease. Therefore, it has been classified as a Variant of Uncertain Significance.

Literature cited by the submitters: PubMed 17576681; PubMed 9536098.

NM_001145252.3(CFP):c.766+3A>G

Gene: CFP (complement factor properdin; minus strand). Cytogenetic location: Xp11.23.
Variant type: single nucleotide variant.
Coding change: c.766+3A>G on transcript NM_001145252.3 (MANE Select); 3 bases into the intron after coding-DNA position 766, A replaced by G.
Molecular consequence: intron variant.
Genome position (GRCh38, 1-based): chrX:47,627,138, T>C on the plus strand (A>G on the coding strand, the complement: CFP is on the minus strand). VCF-style: chrX-47627138-T-C. GRCh37 (hg19) VCF-style: chrX-47486537-T-C.
Other names: c.766+3A>G (NM_002621.2).
Identifiers: ClinVar variation 3711620 (VCV003711620.2).
Genomic context (GRCh38, chrX:47,627,138, plus strand): 5'-AGAGCATCTCTGCCCTCAATCAAGAGCCCCACCAGCAACATCAGCAGCCTCATCCTGGTG[T>C]ACCTGGGCAGGGTGGCAGGCCGGTGCACCTCCGCTGCTCGTAGGCTAGCCCCGGGCAGGG-3'